The following is an entry in ClinVar:

ClinVar aggregate classification (germline): Likely benign. Review status: criteria provided, multiple submitters, no conflicts (2 of 4 stars). 5 submissions from 5 submitters: Likely benign (4). 1 of the submissions does not count toward it. Last evaluated 2025-11-25.

Conditions:
Cardiovascular phenotype. Identifiers: MedGen CN230736.
LDB3-related disorder. Also called: LDB3-related condition.
Myofibrillar myopathy 4. Also called: Zaspopathy (type). Identifiers: Orphanet 98912, MedGen C4721886, MONDO:0012277, OMIM 609452.

Allele frequency attached by ClinVar (database versions not stated): gnomAD exomes 0.00004 and 0.00010; ExAC 0.00007; gnomAD 0.00008; 1000 Genomes Project 30x 0.00016; TOPMed 0.00016; 1000 Genomes Project 0.00020.
gnomAD v4.1: 71 of 1,611,746 alleles (0.0044%); highest among the groups gnomAD compares: Admixed American, 0.065%; no homozygotes.

Submissions (5):

Labcorp Genetics (formerly Invitae), Labcorp
Classification: Likely benign for Myofibrillar myopathy 4. Last evaluated: 2025-11-25. Review status: criteria provided, single submitter. Criteria: Invitae Variant Classification Sherloc (09022015). Collection method: clinical testing. Allele origin: germline.

Women's Health and Genetics/Laboratory Corporation of America, LabCorp
Classification: Likely benign. Last evaluated: 2025-10-20. Review status: criteria provided, single submitter. Criteria: LabCorp Variant Classification Summary - May 2015. Collection method: clinical testing. Allele origin: germline.
Comment: Variant summary: LDB3 c.1075G>A (p.Asp359Asn) results in a conservative amino acid change in the encoded protein sequence. Algorithms developed to predict the effect of missense changes on protein structure and function all suggest that this variant is likely to be tolerated. The variant allele was found at a frequency of 0.0001 in 243266 control chromosomes, predominantly at a frequency of 0.00059 within the Latino subpopulation in the gnomAD database. The observed variant frequency within Latino control individuals in the gnomAD database exceeds the estimated maximal expected allele frequency for disease-causing variants in LDB3. c.1075G>A has been observed in an individual affected with Sigmoid septal morphology (Theis_2006). These report(s) do not provide unequivocal conclusions about association of the variant with Hypertrophic Cardiomyopathy. To our knowledge, no experimental evidence demonstrating an impact on protein function has been reported. The following publication have been ascertained in the context of this evaluation (PMID: 17097056). ClinVar contains an entry for this variant (Variation ID: 201845). Based on the evidence outlined above, the variant was classified as likely benign.

Ambry Genetics
Classification: Likely benign for Cardiovascular phenotype. Last evaluated: 2024-12-17. Review status: criteria provided, single submitter. Criteria: Ambry Variant Classification Scheme 2023. Collection method: clinical testing. Allele origin: germline.

GeneDx
Classification: Likely benign. Last evaluated: 2024-01-26. Review status: criteria provided, single submitter. Criteria: GeneDx Variant Classification Process June 2021. Collection method: clinical testing. Allele origin: germline. Affected: yes.
Comment: See Variant Classification Assertion Criteria.

PreventionGenetics, part of Exact Sciences
Classification: Likely benign for LDB3-related condition. Last evaluated: 2024-08-07. Review status: no assertion criteria provided. Collection method: clinical testing. Allele origin: germline. Not counted in ClinVar's aggregate classification.
Comment: This variant is classified as likely benign based on ACMG/AMP sequence variant interpretation guidelines (Richards et al. 2015 PMID: 25741868, with internal and published modifications).

Literature cited by the submitters: PubMed 17097056 (cited by Women's Health and Genetics/Laboratory Corporation of America, LabCorp and Ambry Genetics); PubMed 26886200 (cited by Ambry Genetics); PubMed 31376648 (cited by Ambry Genetics).

NM_007078.3(LDB3):c.1075G>A (p.Asp359Asn)

Gene: LDB3 (LIM domain binding 3; plus strand). Cytogenetic location: 10q23.2.
Variant type: single nucleotide variant.
Coding change: c.1075G>A on transcript NM_007078.3 (MANE Select); coding-DNA position 1075, G replaced by A.
Protein change: p.Asp359Asn; replaces aspartic acid 359 with asparagine.
Molecular consequence: missense variant. On other transcripts: intron variant (4).
Genome position (GRCh38, 1-based): chr10:86,706,709, G>A. VCF-style: chr10-86706709-G-A. GRCh37 (hg19) VCF-style: chr10-88466466-G-A.
Other names: p.D359N:GAC>AAC; c.1075G>A (LRG_385t1); c.934G>A, p.Asp312Asn (NM_001368066.1); c.897-3196G>A (NM_001368064.1, NM_001368065.1); c.1101-3196G>A (NM_001171610.2); c.756-3196G>A (NM_001080114.2); c.*7335G>A (NM_001080116.1, LRG_385t2); short protein forms D359N, D312N.
Identifiers: ClinVar variation 201845 (VCV000201845.17), dbSNP rs557956141, ClinGen allele CA308621.